The following is an entry in ClinVar:

ClinVar aggregate classification (germline): Uncertain significance (1 of 4 stars; one submission).

gnomAD v4.1: 4 of 1,609,092 alleles (0.00025%); highest among the groups gnomAD compares: South Asian, 0.0044%; no homozygotes.

Submission:

Labcorp Genetics (formerly Invitae), Labcorp
Classification: Uncertain significance. Last evaluated: 2024-03-31. Review status: criteria provided, single submitter. Criteria: Invitae Variant Classification Sherloc (09022015). Collection method: clinical testing. Allele origin: germline.
Comment: This sequence change replaces alanine, which is neutral and non-polar, with valine, which is neutral and non-polar, at codon 235 of the SIN3A protein (p.Ala235Val). This variant is present in population databases (no rsID available, gnomAD 0.007%). This variant has not been reported in the literature in individuals affected with SIN3A-related conditions. An algorithm developed to predict the effect of missense changes on protein structure and function (PolyPhen-2) suggests that this variant is likely to be tolerated. In summary, the available evidence is currently insufficient to determine the role of this variant in disease. Therefore, it has been classified as a Variant of Uncertain Significance.

NM_001145358.2(SIN3A):c.704C>T (p.Ala235Val)

Gene: SIN3A (SIN3 transcription regulator family member A; minus strand). Cytogenetic location: 15q24.2.
Variant type: single nucleotide variant.
Coding change: c.704C>T on transcript NM_001145358.2 (MANE Select); coding-DNA position 704, C replaced by T.
Protein change: p.Ala235Val; replaces alanine 235 with valine.
Molecular consequence: missense variant.
Genome position (GRCh38, 1-based): chr15:75,412,815, G>A on the plus strand (C>T on the coding strand, the complement: SIN3A is on the minus strand). VCF-style: chr15-75412815-G-A. GRCh37 (hg19) VCF-style: chr15-75705156-G-A.
Other names: c.704C>T, p.Ala235Val (NM_001145357.2, NM_015477.3); short protein forms A235V.
Identifiers: ClinVar variation 3674884 (VCV003674884.2).